The following is an entry in ClinVar:

ClinVar aggregate classification (germline): Uncertain significance. Review status: criteria provided, multiple submitters, no conflicts (2 of 4 stars). 5 submissions from 5 submitters: Uncertain significance (5). Last evaluated 2026-02-02.

Conditions:
Colorectal cancer, susceptibility to, 12 (CRCS12). Also called: COLORECTAL CANCER, SUSCEPTIBILITY TO, ON CHROMOSOME 12q24. Identifiers: Orphanet 220460, MedGen C3554460, MONDO:0014038, OMIM 615083.
Facial dysmorphism-immunodeficiency-livedo-short stature syndrome. Also called: Facial dysmorphism, immunodeficiency, livedo, and short stature; FILS syndrome. Identifiers: Orphanet 352712, MedGen C3554576, MONDO:0014058, OMIM 615139.
Intrauterine growth retardation, metaphyseal dysplasia, adrenal hypoplasia congenita, genital anomalies, and immunodeficiency. Also called: IMAGEI SYNDROME. Identifiers: MedGen C5193036, MONDO:0032684, OMIM 618336.
Hereditary cancer-predisposing syndrome. Also called: Tumor predisposition; Neoplastic Syndromes, Hereditary; Hereditary Cancer Syndrome; Hereditary neoplastic syndrome. Identifiers: Orphanet 140162, MedGen C0027672, MeSH D009386, MONDO:0015356.

Allele frequency attached by ClinVar (database versions not stated): ExAC 0.00003; TOPMed 0.00003; ESP Exome Variant Server 0.00008.

Submissions (5):

Labcorp Genetics (formerly Invitae), Labcorp
Classification: Uncertain significance. Last evaluated: 2026-02-02. Review status: criteria provided, single submitter. Criteria: Invitae Variant Classification Sherloc (09022015). Collection method: clinical testing. Allele origin: germline.
Comment: This sequence change replaces arginine, which is basic and polar, with tryptophan, which is neutral and slightly polar, at codon 1630 of the POLE protein (p.Arg1630Trp). This variant is present in population databases (rs148076304, gnomAD 0.006%). This variant has not been reported in the literature in individuals affected with POLE-related conditions. ClinVar contains an entry for this variant (Variation ID: 240542). Invitae Evidence Modeling of protein sequence and biophysical properties (such as structural, functional, and spatial information, amino acid conservation, physicochemical variation, residue mobility, and thermodynamic stability) indicates that this missense variant is expected to disrupt POLE protein function with a positive predictive value of 80%. In summary, the available evidence is currently insufficient to determine the role of this variant in disease. Therefore, it has been classified as a Variant of Uncertain Significance.

Ambry Genetics
Classification: Uncertain significance for Hereditary cancer-predisposing syndrome. Last evaluated: 2024-12-04. Review status: criteria provided, single submitter. Criteria: Ambry Variant Classification Scheme 2023. Collection method: clinical testing. Allele origin: germline.
Comment: The p.R1630W variant (also known as c.4888C>T), located in coding exon 37 of the POLE gene, results from a C to T substitution at nucleotide position 4888. The arginine at codon 1630 is replaced by tryptophan, an amino acid with dissimilar properties. This amino acid position is highly conserved in available vertebrate species. In addition, the in silico prediction for this alteration is inconclusive. Based on the available evidence, the clinical significance of this variant remains unclear.

GeneDx
Classification: Uncertain significance. Last evaluated: 2024-11-18. Review status: criteria provided, single submitter. Criteria: GeneDx Variant Classification Process June 2021. Collection method: clinical testing. Allele origin: germline. Affected: yes.
Comment: Not observed at significant frequency in large population cohorts (gnomAD); In silico analysis supports that this missense variant has a deleterious effect on protein structure/function; Has not been previously published as pathogenic or benign to our knowledge

Mayo Clinic Laboratories, Mayo Clinic
Classification: Uncertain significance. Last evaluated: 2023-03-22. Review status: criteria provided, single submitter. Criteria: ACMG Guidelines, 2015. Collection method: clinical testing. Allele origin: germline. Observed: 2 variant alleles.
Comment: PM2

Fulgent Genetics
Classification: Uncertain significance for Colorectal cancer, susceptibility to, 12; Facial dysmorphism-immunodeficiency-livedo-short stature syndrome; Intrauterine growth retardation, metaphyseal dysplasia, adrenal hypoplasia congenita, genital anomalies, and immunodeficiency. Last evaluated: 2021-07-14. Review status: criteria provided, single submitter. Criteria: ACMG Guidelines, 2015. Collection method: clinical testing. Allele origin: unknown.

NM_006231.4(POLE):c.4888C>T (p.Arg1630Trp)

Gene: POLE (DNA polymerase epsilon, catalytic subunit; minus strand). Cytogenetic location: 12q24.33.
Variant type: single nucleotide variant.
Coding change: c.4888C>T on transcript NM_006231.4 (MANE Select); coding-DNA position 4888, C replaced by T.
Protein change: p.Arg1630Trp; replaces arginine 1630 with tryptophan.
Molecular consequence: missense variant.
Genome position (GRCh38, 1-based): chr12:132,642,570, G>A on the plus strand (C>T on the coding strand, the complement: POLE is on the minus strand). VCF-style: chr12-132642570-G-A. GRCh37 (hg19) VCF-style: chr12-133219156-G-A.
Other names: p.Arg1630Trp; short protein forms R1630W.
Identifiers: ClinVar variation 240542 (VCV000240542.18), dbSNP rs148076304, ClinGen allele CA6892690.